The following is an entry in ClinVar:

NM_021222.3(PRUNE1):c.1058C>G (p.Pro353Arg)

Gene: PRUNE1 (prune exopolyphosphatase 1; plus strand). Cytogenetic location: 1q21.3.
Variant type: single nucleotide variant.
Coding change: c.1058C>G on transcript NM_021222.3 (MANE Select); coding-DNA position 1058, C replaced by G.
Protein change: p.Pro353Arg; replaces proline 353 with arginine.
Molecular consequence: missense variant. On other transcripts: non-coding transcript variant (4).
Genome position (GRCh38, 1-based): chr1:151,033,930, C>G. VCF-style: chr1-151033930-C-G. GRCh37 (hg19) VCF-style: chr1-151006406-C-G.
Other names: p.Pro353Arg; c.1058C>G (NM_021222.2); c.512C>G, p.Pro171Arg (NM_001303229.2); c.899C>G, p.Pro300Arg (NM_001303242.2); c.455C>G, p.Pro152Arg (NM_001303243.2); short protein forms P171R, P300R, P152R, P353R.
Identifiers: ClinVar variation 2049102 (VCV002049102.30), dbSNP rs72706548, ClinGen allele CA1083950.
Genomic context (GRCh38, chr1:151,033,930, plus strand): 5'-ACCCTAACCTCCATGCCTATCTTCAAGGCAACACCCAGGTCTCTCGAAAGAAACTTCTGC[C>G]CCTGCTCCAGGAAGCCCTGTCAGCATATTTTGACTCCATGAAGATCCCTTCAGGACAGCC-3'
Protein context (NP_067045.1, residues 343-363): NTQVSRKKLL[Pro353Arg]LLQEALSAYF

ClinVar aggregate classification (germline): Benign/Likely benign. Review status: criteria provided, multiple submitters, no conflicts (2 of 4 stars). 4 submissions from 4 submitters: Benign (2); Likely benign (1). 1 of the submissions does not count toward it. Last evaluated 2026-03-01.

Conditions:
PRUNE1-related disorder. Also called: PRUNE1-related condition.

Allele frequency attached by ClinVar (database versions not stated): 1000 Genomes Project 30x 0.00078; 1000 Genomes Project 0.00080; TOPMed 0.00318; ESP Exome Variant Server 0.00323; ExAC 0.00367; gnomAD exomes 0.00535.

Submissions (4):

CeGaT Center for Human Genetics Tuebingen
Classification: Likely benign. Last evaluated: 2026-03-01. Review status: criteria provided, single submitter. Criteria: CeGaT Center For Human Genetics Tuebingen Variant Classification Criteria Version 2. Collection method: clinical testing. Allele origin: germline. Affected: yes. Observed: 7 variant alleles.
Comment: PRUNE1: BS2

Labcorp Genetics (formerly Invitae), Labcorp
Classification: Benign. Last evaluated: 2025-10-28. Review status: criteria provided, single submitter. Criteria: Invitae Variant Classification Sherloc (09022015). Collection method: clinical testing. Allele origin: germline.

Mayo Clinic Laboratories, Mayo Clinic
Classification: Benign. Last evaluated: 2024-10-29. Review status: criteria provided, single submitter. Criteria: ACMG Guidelines, 2015. Collection method: clinical testing. Allele origin: germline. Observed: 2 variant alleles.
Comment: BA1, BS2

PreventionGenetics, part of Exact Sciences
Classification: Likely benign for PRUNE1-related condition. Last evaluated: 2019-08-20. Review status: no assertion criteria provided. Collection method: clinical testing. Allele origin: germline. Not counted in ClinVar's aggregate classification.
Comment: This variant is classified as likely benign based on ACMG/AMP sequence variant interpretation guidelines (Richards et al. 2015 PMID: 25741868, with internal and published modifications).